The following is an entry in ClinVar:

ClinVar aggregate classification (germline): Likely benign (0 of 4 stars; one submission).

Conditions:
LRP1B-related disorder. Also called: LRP1B-related condition.

Allele frequency attached by ClinVar (database versions not stated): ExAC 0.00001; gnomAD 0.00003; gnomAD exomes 0.00005.
gnomAD v4.1: 78 of 1,602,710 alleles (0.0049%); highest among the groups gnomAD compares: Non-Finnish European, 0.0058%; no homozygotes.

Submission:

PreventionGenetics, part of Exact Sciences
Classification: Likely benign for LRP1B-related condition. Last evaluated: 2019-06-12. Review status: no assertion criteria provided. Collection method: clinical testing. Allele origin: germline.
Comment: This variant is classified as likely benign based on ACMG/AMP sequence variant interpretation guidelines (Richards et al. 2015 PMID: 25741868, with internal and published modifications).

NM_018557.3(LRP1B):c.7194+10T>C

Gene: LRP1B (LDL receptor related protein 1B; minus strand). Cytogenetic location: 2q22.1.
Variant type: single nucleotide variant.
Coding change: c.7194+10T>C on transcript NM_018557.3 (MANE Select); 10 bases into the intron after coding-DNA position 7194, T replaced by C.
Molecular consequence: intron variant.
Genome position (GRCh38, 1-based): chr2:140,598,621, A>G on the plus strand (T>C on the coding strand, the complement: LRP1B is on the minus strand). VCF-style: chr2-140598621-A-G. GRCh37 (hg19) VCF-style: chr2-141356190-A-G.
Identifiers: ClinVar variation 3034457 (VCV003034457.2), dbSNP rs762736870, ClinGen allele CA1894410.